The following is an entry in ClinVar:

NM_000492.4:c.(1392+1_1393-1)_(1584+1_1585-1)del

Gene: CFTR (CF transmembrane conductance regulator; plus strand).
Variant type: Deletion.
Other names: CFTRdele10?; c.(1392+1_1393-1)_(1584+1_1585-1)del (NM_000492.4).
Identifiers: ClinVar variation 1706066 (VCV001706066.1).

ClinVar aggregate classification (germline): Likely pathogenic (1 of 4 stars; one submission).

Conditions:
Cystic fibrosis (CF). Also called: MUCOVISCIDOSIS. Identifiers: Orphanet 586, MedGen C0010674, MONDO:0009061, OMIM 219700. Disease mechanism: loss of function.

Submission:

Institute of Human Genetics, University of Leipzig Medical Center
Classification: Likely pathogenic for Cystic fibrosis. Last evaluated: 2022-09-05. Review status: criteria provided, single submitter. Criteria: ACMG Guidelines, 2015. Collection method: curation. Allele origin: unknown. Affected: yes. Observed: 1 variant allele.
Comment: The variant was classified in the context of a project re-classifying variants in the German Cystic Fibrosis Registry (Muko.e.V.). Criteria applied: PVS1_STR, PM2_SUP, PP4